The following is an entry in ClinVar:

NM_001008537.3(NEXMIF):c.3402C>A (p.His1134Gln)

Gene: NEXMIF (neurite extension and migration factor; minus strand). Cytogenetic location: Xq13.3.
Variant type: single nucleotide variant.
Coding change: c.3402C>A on transcript NM_001008537.3 (MANE Select); coding-DNA position 3402, C replaced by A.
Protein change: p.His1134Gln; replaces histidine 1134 with glutamine.
Molecular consequence: missense variant.
Genome position (GRCh38, 1-based): chrX:74,741,155, G>T on the plus strand (C>A on the coding strand, the complement: NEXMIF is on the minus strand). VCF-style: chrX-74741155-G-T. GRCh37 (hg19) VCF-style: chrX-73960990-G-T.
Other names: short protein forms H1134Q.
Identifiers: ClinVar variation 435600 (VCV000435600.42), dbSNP rs138632224, ClinGen allele CA10454947.
Genomic context (GRCh38, chrX:74,741,155, plus strand): 5'-AGGGTTTTTTTGGAGCAGGCTGACAGAATCCTCATCATTGAACATATGGAACTGAAACTG[G>T]TGATTATTTAAAGTAAATCCATCCTCCATTTGGACCTGCCGTGAAAGGGTACTGCAGTCC-3'
Protein context (NP_001008537.1, residues 1124-1144): QMEDGFTLNN[His1134Gln]QFQFHMFNDE

ClinVar aggregate classification (germline): Conflicting classifications of pathogenicity. Review status: criteria provided, conflicting classifications (1 of 4 stars). 6 submissions from 6 submitters: Uncertain significance (1); Benign (1); Likely benign (4). Last evaluated 2025-01-06.

Conditions:
NEXMIF-related disorder. Also called: NEXMIF-related condition.

Allele frequency attached by ClinVar (database versions not stated): TOPMed 0.00005; gnomAD 0.00009 and 0.00011; gnomAD exomes 0.00010 and 0.00018; ExAC 0.00014; ESP Exome Variant Server 0.00019.
gnomAD v4.1: 208 of 1,208,705 alleles (0.017%); highest among the groups gnomAD compares: Non-Finnish European, 0.023%; no homozygotes.

Submissions (6):

Labcorp Genetics (formerly Invitae), Labcorp
Classification: Benign. Last evaluated: 2025-01-06. Review status: criteria provided, single submitter. Criteria: Invitae Variant Classification Sherloc (09022015). Collection method: clinical testing. Allele origin: germline.

PreventionGenetics, part of Exact Sciences
Classification: Likely benign for NEXMIF-related condition. Last evaluated: 2024-12-19. Review status: criteria provided, single submitter. Criteria: ACMG Guidelines, 2015. Collection method: clinical testing. Allele origin: germline.
Comment: This variant is classified as likely benign based on ACMG/AMP sequence variant interpretation guidelines (Richards et al. 2015 PMID: 25741868, with internal and published modifications).

CeGaT Center for Human Genetics Tuebingen
Classification: Likely benign. Last evaluated: 2023-03-01. Review status: criteria provided, single submitter. Criteria: CeGaT Center For Human Genetics Tuebingen Variant Classification Criteria Version 2. Collection method: clinical testing. Allele origin: germline. Affected: yes. Observed: 1 variant allele.
Comment: NEXMIF: BP4, BS2

Blueprint Genetics
Classification: Likely benign. Last evaluated: 2022-12-19. Review status: criteria provided, single submitter. Criteria: ACMG Guidelines, 2015. Collection method: clinical testing. Allele origin: germline.

GeneDx
Classification: Likely benign. Last evaluated: 2020-09-08. Review status: criteria provided, single submitter. Criteria: GeneDx Variant Classification Process June 2021. Collection method: clinical testing. Allele origin: germline. Affected: yes.
Comment: This variant is associated with the following publications: (PMID: 25363768)

Genetic Services Laboratory, University of Chicago
Classification: Uncertain significance. Last evaluated: 2015-12-17. Review status: criteria provided, single submitter. Criteria: ACMG Guidelines, 2015. Collection method: clinical testing. Allele origin: germline. Affected: no.